The following is an entry in ClinVar:

ClinVar aggregate classification (germline): Pathogenic (1 of 4 stars; one submission).

Submission:

Athena Diagnostics
Classification: Pathogenic. Last evaluated: 2021-04-08. Review status: criteria provided, single submitter. Criteria: Athena Diagnostics criteria. Collection method: clinical testing. Allele origin: unknown.
Comment: This variant is expected to result in the loss of a functional protein. This variant has not been reported in large, multi-ethnic general populations. This variant has been identified in at least one individual with clinical features associated with this gene.

Literature cited by the submitters: PubMed 31864146.

NM_001165963.4(SCN1A):c.386T>G (p.Leu129Ter)

Gene: SCN1A (sodium voltage-gated channel alpha subunit 1; minus strand). Cytogenetic location: 2q24.3.
Variant type: single nucleotide variant.
Coding change: c.386T>G on transcript NM_001165963.4 (MANE Select); coding-DNA position 386, T replaced by G.
Protein change: p.Leu129Ter; replaces leucine 129 with a stop codon.
Molecular consequence: nonsense. On other transcripts: 5 prime UTR variant (1), non-coding transcript variant (1).
Genome position (GRCh38, 1-based): chr2:166,056,498, A>C on the plus strand (T>G on the coding strand, the complement: SCN1A is on the minus strand). VCF-style: chr2-166056498-A-C. GRCh37 (hg19) VCF-style: chr2-166913008-A-C.
Other names: c.386T>G, p.Leu129Ter (NM_001353954.2, NM_001353955.2, NM_001353957.2 and 10 more transcripts); c.-2040T>G (NM_001353961.2); short protein forms L129*.
Identifiers: ClinVar variation 1256614 (VCV001256614.1), dbSNP rs2105909995, ClinGen allele CA349076170.
Genomic context (GRCh38, chr2:166,056,498, plus strand): 5'-TTACTCATTGTCATAAACACACAGTTTGTCAAAATAGTGCACATAATTAGCATGCTGAAT[A>C]ATGTAGGTTATTGTTAAGGAACACACAAAAGAAAATCAAAATCCAAGTGTTATATTACAA-3'